The following is an entry in ClinVar:

NM_004415.4(DSP):c.2314G>C (p.Ala772Pro)

Gene: DSP (desmoplakin; plus strand). Cytogenetic location: 6p24.3.
Variant type: single nucleotide variant.
Coding change: c.2314G>C on transcript NM_004415.4 (MANE Select); coding-DNA position 2314, G replaced by C.
Protein change: p.Ala772Pro; replaces alanine 772 with proline.
Molecular consequence: missense variant.
Genome position (GRCh38, 1-based): chr6:7,574,673, G>C. VCF-style: chr6-7574673-G-C. GRCh37 (hg19) VCF-style: chr6-7574906-G-C.
Other names: c.2314G>C, p.Ala772Pro (NM_001008844.3, NM_001319034.2); short protein forms A772P.
Identifiers: ClinVar variation 1422323 (VCV001422323.6), dbSNP rs766440842, ClinGen allele CA362681052.

ClinVar aggregate classification (germline): Uncertain significance (1 of 4 stars; one submission).

Conditions:
Arrhythmogenic cardiomyopathy with wooly hair and keratoderma. Also called: Arrhythmogenic cardiomyopathy with woolly hair and keratoderma; Carvajal syndrome; Dilated cardiomyopathy with woolly hair and keratoderma; PALMOPLANTAR KERATODERMA WITH LEFT VENTRICULAR CARDIOMYOPATHY AND WOOLLY HAIR. Identifiers: Orphanet 65282, MedGen C1854063, MONDO:0011581, OMIM 605676.
Arrhythmogenic right ventricular dysplasia 8 (ARVD8). Also called: ARRHYTHMOGENIC RIGHT VENTRICULAR DYSPLASIA, FAMILIAL, 8; ARRHYTHMOGENIC RIGHT VENTRICULAR CARDIOMYOPATHY 8; Arrhythmogenic Right Ventricular Dysplasia/Cardiomyopathy 8. Identifiers: MedGen C1843896, MONDO:0011831, OMIM 607450.

Allele frequency attached by ClinVar (database versions not stated): TOPMed below 0.00001.

Submission:

Labcorp Genetics (formerly Invitae), Labcorp
Classification: Uncertain significance for Arrhythmogenic cardiomyopathy with wooly hair and keratoderma; Arrhythmogenic right ventricular dysplasia 8. Last evaluated: 2021-08-15. Review status: criteria provided, single submitter. Criteria: Invitae Variant Classification Sherloc (09022015). Collection method: clinical testing. Allele origin: germline.
Comment: In summary, the available evidence is currently insufficient to determine the role of this variant in disease. Therefore, it has been classified as a Variant of Uncertain Significance. This sequence change replaces alanine with proline at codon 772 of the DSP protein (p.Ala772Pro). The alanine residue is moderately conserved and there is a small physicochemical difference between alanine and proline. This variant is not present in population databases (ExAC no frequency). This variant has not been reported in the literature in individuals affected with DSP-related conditions. Algorithms developed to predict the effect of missense changes on protein structure and function (SIFT, PolyPhen-2, Align-GVGD) all suggest that this variant is likely to be tolerated.